The following is an entry in ClinVar:

ClinVar aggregate classification (germline): Likely benign (1 of 4 stars; one submission).

Submission:

CeGaT Center for Human Genetics Tuebingen
Classification: Likely benign. Last evaluated: 2026-03-01. Review status: criteria provided, single submitter. Criteria: CeGaT Center For Human Genetics Tuebingen Variant Classification Criteria Version 2. Collection method: clinical testing. Allele origin: germline. Affected: yes. Observed: 3 variant alleles.
Comment: DSPP: BP4, BP7

NM_014208.3(DSPP):c.3012T>C (p.Ser1004=)

Genes: DMP1-AS1 (DMP1 and DSPP antisense RNA 1; minus strand), DSPP (dentin sialophosphoprotein; plus strand). Cytogenetic location: 4q22.1.
Variant type: single nucleotide variant.
Coding change: c.3012T>C on transcript NM_014208.3 (MANE Select); coding-DNA position 3012, T replaced by C.
Protein change: p.Ser1004=; no amino-acid change (serine 1004 retained).
Molecular consequence: synonymous variant.
Genome position (GRCh38, 1-based): chr4:87,615,674, T>C. VCF-style: chr4-87615674-T-C. GRCh37 (hg19) VCF-style: chr4-88536826-T-C.
Identifiers: ClinVar variation 3388867 (VCV003388867.14).